The following is an entry in ClinVar:

NM_002907.4(RECQL):c.1393G>A (p.Val465Ile)

Gene: RECQL (RecQ like helicase; minus strand). Cytogenetic location: 12p12.1.
Variant type: single nucleotide variant.
Coding change: c.1393G>A on transcript NM_002907.4 (MANE Select); coding-DNA position 1393, G replaced by A.
Protein change: p.Val465Ile; replaces valine 465 with isoleucine.
Molecular consequence: missense variant.
Genome position (GRCh38, 1-based): chr12:21,473,605, C>T on the plus strand (G>A on the coding strand, the complement: RECQL is on the minus strand). VCF-style: chr12-21473605-C-T. GRCh37 (hg19) VCF-style: chr12-21626539-C-T.
Other names: c.1393G>A, p.Val465Ile (NM_032941.3); short protein forms V465I.
Identifiers: ClinVar variation 1708817 (VCV001708817.4), dbSNP rs1371518748, ClinGen allele CA384117535.

ClinVar aggregate classification (germline): Uncertain significance. Review status: criteria provided, multiple submitters, no conflicts (2 of 4 stars). 2 submissions from 2 submitters: Uncertain significance (2). Last evaluated 2023-11-29.

Allele frequency attached by ClinVar (database versions not stated): gnomAD exomes below 0.00001; TOPMed below 0.00001; gnomAD 0.00001.
gnomAD v4.1: 3 of 1,612,760 alleles (0.00019%); highest among the groups gnomAD compares: African/African-American, 0.004%; no homozygotes.

Submissions (2):

Ambry Genetics
Classification: Uncertain significance. Last evaluated: 2023-11-29. Review status: criteria provided, single submitter. Criteria: Ambry Variant Classification Scheme 2023. Collection method: clinical testing. Allele origin: germline.
Comment: The p.V465I variant (also known as c.1393G>A), located in coding exon 11 of the RECQL gene, results from a G to A substitution at nucleotide position 1393. The valine at codon 465 is replaced by isoleucine, an amino acid with highly similar properties. This amino acid position is highly conserved in available vertebrate species. In addition, this alteration is predicted to be tolerated by in silico analysis. Since supporting evidence is limited at this time, the clinical significance of this alteration remains unclear.

GeneDx
Classification: Uncertain significance. Last evaluated: 2022-10-10. Review status: criteria provided, single submitter. Criteria: GeneDx Variant Classification Process June 2021. Collection method: clinical testing. Allele origin: germline. Affected: yes.
Comment: Not observed at significant frequency in large population cohorts (gnomAD); In silico analysis supports that this missense variant does not alter protein structure/function; Has not been previously published as pathogenic or benign to our knowledge; This variant is associated with the following publications: (PMID: 19151156, 27248010)